The following is an entry in ClinVar:

ClinVar aggregate classification (germline): Uncertain significance (1 of 4 stars; one submission).

Allele frequency attached by ClinVar (database versions not stated): gnomAD exomes below 0.00001; ExAC 0.00001.
gnomAD v4.1: 12 of 1,614,076 alleles (0.00074%); highest among the groups gnomAD compares: Non-Finnish European, 0.001%; no homozygotes.

Submission:

Labcorp Genetics (formerly Invitae), Labcorp
Classification: Uncertain significance. Last evaluated: 2026-01-28. Review status: criteria provided, single submitter. Criteria: Invitae Variant Classification Sherloc (09022015). Collection method: clinical testing. Allele origin: germline.
Comment: This sequence change creates a premature translational stop signal (p.Arg1312*) in the NLRP1 gene. It is expected to result in an absent or disrupted protein product. However, the current clinical and genetic evidence is not sufficient to establish whether loss-of-function variants in NLRP1 cause disease. This variant is present in population databases (rs754489472, gnomAD 0.0009%). This variant has not been reported in the literature in individuals affected with NLRP1-related conditions. ClinVar contains an entry for this variant (Variation ID: 1400693). In summary, the available evidence is currently insufficient to determine the role of this variant in disease. Therefore, it has been classified as a Variant of Uncertain Significance.

NM_033004.4(NLRP1):c.3934C>T (p.Arg1312Ter)

Gene: NLRP1 (NLR family pyrin domain containing 1; minus strand). Cytogenetic location: 17p13.2.
Variant type: single nucleotide variant.
Coding change: c.3934C>T on transcript NM_033004.4 (MANE Select); coding-DNA position 3934, C replaced by T.
Protein change: p.Arg1312Ter; replaces arginine 1312 with a stop codon.
Molecular consequence: nonsense.
Genome position (GRCh38, 1-based): chr17:5,517,869, G>A on the plus strand (C>T on the coding strand, the complement: NLRP1 is on the minus strand). VCF-style: chr17-5517869-G-A. GRCh37 (hg19) VCF-style: chr17-5421189-G-A.
Other names: c.3946C>T, p.Arg1316Ter (NM_001033053.3); c.3802C>T, p.Arg1268Ter (NM_014922.5); c.3844C>T, p.Arg1282Ter (NM_033006.4); c.3712C>T, p.Arg1238Ter (NM_033007.4); short protein forms R1268*, R1282*, R1238*, R1312*, R1316*.
Identifiers: ClinVar variation 1400693 (VCV001400693.6), dbSNP rs754489472, ClinGen allele CA8326695.
Genomic context (GRCh38, chr17:5,517,869, plus strand): 5'-TCCCTGATCCCAAGTGGCCAACGTAGAACTCCGAGAACAGCTGGTCTTCTCCAGGGCTTC[G>A]ATAGCAGAGCTCCAGTTCCTGAAGAGGCAAAGAGTTGAGTTGCCACCCTGTTCATCTTGC-3'